The following is an entry in ClinVar:

NM_001943.5(DSG2):c.2156A>G (p.Glu719Gly)

Genes: DSG2 (desmoglein 2; plus strand), DSG2-AS1 (DSG2 antisense RNA 1; minus strand). Cytogenetic location: 18q12.1.
Variant type: single nucleotide variant.
Coding change: c.2156A>G on transcript NM_001943.5 (MANE Select); coding-DNA position 2156, A replaced by G.
Protein change: p.Glu719Gly; replaces glutamic acid 719 with glycine.
Molecular consequence: missense variant.
Genome position (GRCh38, 1-based): chr18:31,542,674, A>G. VCF-style: chr18-31542674-A-G. GRCh37 (hg19) VCF-style: chr18-29122637-A-G.
Other names: short protein forms E719G.
Identifiers: ClinVar variation 3069894 (VCV003069894.1), dbSNP rs2510920718, ClinGen allele CA402142177.

ClinVar aggregate classification (germline): Uncertain significance (1 of 4 stars; one submission).

Conditions:
Arrhythmogenic right ventricular cardiomyopathy (ARVD). Also called: Arrhythmogenic right ventricular dysplasia; Cardiomyopathy, ARVC; Arrhythmogenic cardiomyopathy; Arrhythmogenic Right Ventricular Cardiomyopathy (ARVC). Identifiers: Orphanet 247, MedGen C0349788, MeSH D019571, MONDO:0016587. Disease mechanism: loss of function. Inheritance: Various modes of inheritance.

Allele frequency attached by ClinVar (database versions not stated): gnomAD exomes below 0.00001.
gnomAD v4.1: 2 of 1,614,170 alleles (0.00012%); highest among the groups gnomAD compares: Non-Finnish European, 0.00017%; no homozygotes.

Submission:

All of Us Research Program, National Institutes of Health
Classification: Uncertain significance for Arrhythmogenic right ventricular cardiomyopathy. Last evaluated: 2023-03-28. Review status: criteria provided, single submitter. Criteria: ACMG Guidelines, 2015. Collection method: clinical testing. Allele origin: germline. Inheritance: Autosomal dominant inheritance. Observed: 1 variant allele, 1 heterozygote.
Comment: This study involves interpretation of variants in research participants for the purpose of population health screening. Participant phenotype was not available at the time of variant classification. Additional details can be found in publication PMID: 35346344, PMCID: PMC8962531